The following is an entry in ClinVar:

NM_001378454.1(ALMS1):c.10572A>G (p.Glu3524=)

Gene: ALMS1 (ALMS1 centrosome and basal body associated protein; plus strand). Cytogenetic location: 2p13.1.
Variant type: single nucleotide variant.
Coding change: c.10572A>G on transcript NM_001378454.1 (MANE Select); coding-DNA position 10572, A replaced by G.
Protein change: p.Glu3524=; no amino-acid change (glutamic acid 3524 retained).
Molecular consequence: synonymous variant.
Genome position (GRCh38, 1-based): chr2:73,572,449, A>G. VCF-style: chr2-73572449-A-G. GRCh37 (hg19) VCF-style: chr2-73799576-A-G.
Other names: c.10575A>G, p.Glu3525= (NM_015120.4).
Identifiers: ClinVar variation 929964 (VCV000929964.11), dbSNP rs1335438080, ClinGen allele CA427024711.
Genomic context (GRCh38, chr2:73,572,449, plus strand): 5'-TGTTTTCATGAGACATTCTTGGAAAGATTTCTTTCAGCATCATCCAGACAAACATAGAGA[A>G]CACATGTGTCTTCCTCTTCCTTATCAAAACATGGACAAGACTAAGACAGATTATACCAGA-3'
Protein context (NP_001365383.1, residues 3514-3534): FFQHHPDKHR[Glu3524=]HMCLPLPYQN

ClinVar aggregate classification (germline): Likely benign. Review status: criteria provided, multiple submitters, no conflicts (2 of 4 stars). 2 submissions from 2 submitters: Likely benign (2). Last evaluated 2024-09-04.

Conditions:
Alstrom syndrome (ALMS). Identifiers: Orphanet 64, MedGen C0268425, MONDO:0008763, OMIM 203800.

Allele frequency attached by ClinVar (database versions not stated): gnomAD exomes below 0.00001; TOPMed below 0.00001.
gnomAD v4.1: 3 of 1,614,016 alleles (0.00019%); highest among the groups gnomAD compares: African/African-American, 0.0013%; no homozygotes.

Submissions (2):

Labcorp Genetics (formerly Invitae), Labcorp
Classification: Likely benign for Alstrom syndrome. Last evaluated: 2024-09-04. Review status: criteria provided, single submitter. Criteria: Invitae Variant Classification Sherloc (09022015). Collection method: clinical testing. Allele origin: germline.

Laboratory for Molecular Medicine, Mass General Brigham Personalized Medicine
Classification: Likely benign. Last evaluated: 2019-11-26. Review status: criteria provided, single submitter. Criteria: LMM Criteria. Collection method: clinical testing. Allele origin: germline. Observed: 1 variant allele.
Comment: The p.Glu3523Glu variant in ALMS1 is classified as likely benign because it does not alter an amino acid residue, it is not located within the splice consensus sequence, and splice prediction algorithms do not predict a newly created splice site. ACMG/AMP Criteria applied: BP4, BP7.